The following is an entry in ClinVar:

ClinVar aggregate classification (germline): Uncertain significance. Review status: criteria provided, multiple submitters, no conflicts (2 of 4 stars). 2 submissions from 2 submitters: Uncertain significance (2). Last evaluated 2024-08-29.

Conditions:
Birt-Hogg-Dube syndrome 1 (BHD1). Also called: FIBROFOLLICULOMAS WITH TRICHODISCOMAS AND ACROCHORDONS. Identifiers: Orphanet 122, MedGen CN375946, MONDO:0800445, OMIM 135150.
Colorectal cancer. Also called: Colorectal cancer, somatic; Malignant Colorectal Neoplasm. Identifiers: MedGen C0346629, MONDO:0005575, OMIM 114500.
Familial spontaneous pneumothorax (PSP). Identifiers: Orphanet 2903, MedGen C1868193, MONDO:0008259, OMIM 173600.
Nonpapillary renal cell carcinoma. Identifiers: Orphanet 422526, MedGen CN074294, MONDO:0007763, OMIM 144700.
Hereditary cancer-predisposing syndrome. Also called: Tumor predisposition; Neoplastic Syndromes, Hereditary; Hereditary Cancer Syndrome; Hereditary neoplastic syndrome. Identifiers: Orphanet 140162, MedGen C0027672, MeSH D009386, MONDO:0015356.

gnomAD v4.1: 1 of 1,614,160 alleles (0.000062%); highest among the groups gnomAD compares: Non-Finnish European, 0.000085%; no homozygotes.

Submissions (2):

Ambry Genetics
Classification: Uncertain significance for Hereditary cancer-predisposing syndrome. Last evaluated: 2024-08-29. Review status: criteria provided, single submitter. Criteria: Ambry Variant Classification Scheme 2023. Collection method: clinical testing. Allele origin: germline.
Comment: The p.T102N variant (also known as c.305C>A), located in coding exon 2 of the FLCN gene, results from a C to A substitution at nucleotide position 305. The threonine at codon 102 is replaced by asparagine, an amino acid with similar properties. This amino acid position is highly conserved in available vertebrate species. In addition, the in silico prediction for this alteration is inconclusive. Based on the available evidence, the clinical significance of this variant remains unclear.

Fulgent Genetics
Classification: Uncertain significance for Colorectal cancer; Birt-Hogg-Dube syndrome 1; Nonpapillary renal cell carcinoma; Familial spontaneous pneumothorax. Last evaluated: 2024-05-18. Review status: criteria provided, single submitter. Criteria: ACMG Guidelines, 2015. Collection method: clinical testing. Allele origin: germline.

NM_144997.7(FLCN):c.305C>A (p.Thr102Asn)

Gene: FLCN (folliculin; minus strand). Cytogenetic location: 17p11.2.
Variant type: single nucleotide variant.
Coding change: c.305C>A on transcript NM_144997.7 (MANE Select); coding-DNA position 305, C replaced by A.
Protein change: p.Thr102Asn; replaces threonine 102 with asparagine.
Molecular consequence: missense variant.
Genome position (GRCh38, 1-based): chr17:17,226,267, G>T on the plus strand (C>A on the coding strand, the complement: FLCN is on the minus strand). VCF-style: chr17-17226267-G-T. GRCh37 (hg19) VCF-style: chr17-17129581-G-T.
Other names: c.305C>A, p.Thr102Asn (NM_001353229.2, NM_001353230.2, NM_001353231.2 and 1 more transcripts); short protein forms T102N.
Identifiers: ClinVar variation 3515640 (VCV003515640.2).